The following is an entry in ClinVar:

ClinVar aggregate classification (germline): Uncertain significance. Review status: criteria provided, multiple submitters, no conflicts (2 of 4 stars). 2 submissions from 2 submitters: Uncertain significance (2). Last evaluated 2025-02-10.

Conditions:
FADD-related immunodeficiency. Also called: FADD DEFICIENCY; Infections, recurrent, with encephalopathy, hepatic dysfunction, and cardiovascular malformations. Identifiers: Orphanet 306550, MedGen C3151062, MONDO:0013408, OMIM 613759.
Inborn genetic diseases. Identifiers: MedGen C0950123, MeSH D030342.

gnomAD v4.1: 9 of 1,613,960 alleles (0.00056%); highest among the groups gnomAD compares: South Asian, 0.0011%; no homozygotes.

Submissions (2):

Ambry Genetics
Classification: Uncertain significance for Inborn genetic diseases. Last evaluated: 2025-02-10. Review status: criteria provided, single submitter. Criteria: Ambry Variant Classification Scheme 2023. Collection method: clinical testing. Allele origin: germline.

Labcorp Genetics (formerly Invitae), Labcorp
Classification: Uncertain significance for FADD-related immunodeficiency. Last evaluated: 2022-05-13. Review status: criteria provided, single submitter. Criteria: Invitae Variant Classification Sherloc (09022015). Collection method: clinical testing. Allele origin: germline.
Comment: This sequence change replaces isoleucine, which is neutral and non-polar, with methionine, which is neutral and non-polar, at codon 126 of the FADD protein (p.Ile126Met). This variant is present in population databases (rs61757382, gnomAD 0.002%). This variant has not been reported in the literature in individuals affected with FADD-related conditions. ClinVar contains an entry for this variant (Variation ID: 946037). Algorithms developed to predict the effect of missense changes on protein structure and function output the following: SIFT: "Tolerated"; PolyPhen-2: "Probably Damaging"; Align-GVGD: "Class C0". The methionine amino acid residue is found in multiple mammalian species, which suggests that this missense change does not adversely affect protein function. In summary, the available evidence is currently insufficient to determine the role of this variant in disease. Therefore, it has been classified as a Variant of Uncertain Significance.

NM_003824.4(FADD):c.378C>G (p.Ile126Met)

Gene: FADD (Fas associated via death domain; plus strand). Cytogenetic location: 11q13.3.
Variant type: single nucleotide variant.
Coding change: c.378C>G on transcript NM_003824.4 (MANE Select); coding-DNA position 378, C replaced by G.
Protein change: p.Ile126Met; replaces isoleucine 126 with methionine.
Molecular consequence: missense variant.
Genome position (GRCh38, 1-based): chr11:70,206,224, C>G. VCF-style: chr11-70206224-C-G. GRCh37 (hg19) VCF-style: chr11-70052330-C-G.
Other names: short protein forms I126M.
Identifiers: ClinVar variation 946037 (VCV000946037.8), dbSNP rs61757382, ClinGen allele CA6158472.